The following is an entry in ClinVar:

ClinVar aggregate classification (germline): Uncertain significance. Review status: criteria provided, multiple submitters, no conflicts (2 of 4 stars). 2 submissions from 2 submitters: Uncertain significance (2). Last evaluated 2024-10-04.

Conditions:
Hereditary spastic paraplegia 11. Also called: SPASTIC PARAPLEGIA, AUTOSOMAL RECESSIVE, COMPLICATED, WITH THIN CORPUS CALLOSUM; SPASTIC PARAPLEGIA, AUTOSOMAL RECESSIVE, WITH MENTAL IMPAIRMENT AND THIN CORPUS CALLOSUM; Spastic paraplegia, mental retardation and thin corpus callosum; Nakamura Osame syndrome; Autosomal recessive hereditary spastic paraplegia, mental impairment, and thin corpus callosum; Spastic Paraplegia 11. Identifiers: Orphanet 2822, MedGen C1858479, MONDO:0011445, OMIM 604360.

Allele frequency attached by ClinVar (database versions not stated): TOPMed below 0.00001; gnomAD 0.00001; ExAC 0.00002; ESP Exome Variant Server 0.00008.
gnomAD v4.1: 25 of 1,614,070 alleles (0.0015%); highest among the groups gnomAD compares: Non-Finnish European, 0.0021%; no homozygotes.

Submissions (2):

GeneDx
Classification: Uncertain significance. Last evaluated: 2024-10-04. Review status: criteria provided, single submitter. Criteria: GeneDx Variant Classification Process June 2021. Collection method: clinical testing. Allele origin: germline. Affected: yes.
Comment: Not observed at significant frequency in large population cohorts (gnomAD); In silico analysis indicates that this missense variant does not alter protein structure/function; Has not been previously published as pathogenic or benign to our knowledge

Labcorp Genetics (formerly Invitae), Labcorp
Classification: Uncertain significance for Hereditary spastic paraplegia 11. Last evaluated: 2021-10-06. Review status: criteria provided, single submitter. Criteria: Invitae Variant Classification Sherloc (09022015). Collection method: clinical testing. Allele origin: germline.
Comment: This sequence change replaces aspartic acid with glutamic acid at codon 1947 of the SPG11 protein (p.Asp1947Glu). The aspartic acid residue is weakly conserved and there is a small physicochemical difference between aspartic acid and glutamic acid. This variant is present in population databases (rs372380495, ExAC 0.003%). This variant has not been reported in the literature in individuals affected with SPG11-related conditions. Algorithms developed to predict the effect of missense changes on protein structure and function (SIFT, PolyPhen-2, Align-GVGD) all suggest that this variant is likely to be tolerated. In summary, the available evidence is currently insufficient to determine the role of this variant in disease. Therefore, it has been classified as a Variant of Uncertain Significance.

NM_025137.4(SPG11):c.5841C>G (p.Asp1947Glu)

Gene: SPG11 (SPG11 vesicle trafficking associated, spatacsin; minus strand). Cytogenetic location: 15q21.1.
Variant type: single nucleotide variant.
Coding change: c.5841C>G on transcript NM_025137.4 (MANE Select); coding-DNA position 5841, C replaced by G.
Protein change: p.Asp1947Glu; replaces aspartic acid 1947 with glutamic acid.
Molecular consequence: missense variant.
Genome position (GRCh38, 1-based): chr15:44,583,839, G>C on the plus strand (C>G on the coding strand, the complement: SPG11 is on the minus strand). VCF-style: chr15-44583839-G-C. GRCh37 (hg19) VCF-style: chr15-44876037-G-C.
Other names: c.5841C>G, p.Asp1947Glu (NM_001160227.2); short protein forms D1947E.
Identifiers: ClinVar variation 859459 (VCV000859459.5), dbSNP rs372380495, ClinGen allele CA7534336.